The following is an entry in ClinVar:

NM_005245.4(FAT1):c.5062A>G (p.Met1688Val)

Gene: FAT1 (FAT atypical cadherin 1; minus strand). Cytogenetic location: 4q35.2.
Variant type: single nucleotide variant.
Coding change: c.5062A>G on transcript NM_005245.4 (MANE Select); coding-DNA position 5062, A replaced by G.
Protein change: p.Met1688Val; replaces methionine 1688 with valine.
Molecular consequence: missense variant.
Genome position (GRCh38, 1-based): chr4:186,621,524, T>C on the plus strand (A>G on the coding strand, the complement: FAT1 is on the minus strand). VCF-style: chr4-186621524-T-C. GRCh37 (hg19) VCF-style: chr4-187542678-T-C.
Other names: short protein forms M1688V.
Identifiers: ClinVar variation 2073908 (VCV002073908.4), dbSNP rs778014146, ClinGen allele CA3166536.
Genomic context (GRCh38, chr4:186,621,524, plus strand): 5'-CACCTGTATTTCCATCTTTTATTTCATACACCACTGATGATTGACTATGGGCTGTAACCA[T>C]CCCAACGAAACTCCCAATGCTGACAGTTTCACTAAGTTCAACAGAATATTCTTTTGATGT-3'
Protein context (NP_005236.2, residues 1678-1698): ETVSIGSFVG[Met1688Val]VTAHSQSSVV

ClinVar aggregate classification (germline): Uncertain significance (1 of 4 stars; one submission).

Allele frequency attached by ClinVar (database versions not stated): gnomAD exomes below 0.00001; ExAC 0.00001; gnomAD 0.00001; TOPMed 0.00001.

Submission:

Labcorp Genetics (formerly Invitae), Labcorp
Classification: Uncertain significance. Last evaluated: 2025-06-12. Review status: criteria provided, single submitter. Criteria: Invitae Variant Classification Sherloc (09022015). Collection method: clinical testing. Allele origin: germline.
Comment: This sequence change replaces methionine, which is neutral and non-polar, with valine, which is neutral and non-polar, at codon 1688 of the FAT1 protein (p.Met1688Val). This variant is present in population databases (rs778014146, gnomAD 0.007%). This variant has not been reported in the literature in individuals affected with FAT1-related conditions. ClinVar contains an entry for this variant (Variation ID: 2073908). An algorithm developed to predict the effect of missense changes on protein structure and function (PolyPhen-2) suggests that this variant is likely to be tolerated. In summary, the available evidence is currently insufficient to determine the role of this variant in disease. Therefore, it has been classified as a Variant of Uncertain Significance.